The following is an entry in ClinVar:

ClinVar aggregate classification (germline): Uncertain significance. Review status: criteria provided, multiple submitters, no conflicts (2 of 4 stars). 2 submissions from 2 submitters: Uncertain significance (2). Last evaluated 2024-03-20.

Conditions:
Spermatogenic failure 18. Identifiers: MedGen C4539783, MONDO:0054615, OMIM 617576.
Ciliary dyskinesia, primary, 37 (CILD37). Also called: CILIARY DYSKINESIA, PRIMARY, 37, WITH OR WITHOUT SITUS INVERSUS. Identifiers: MedGen C4539798, MONDO:0033204, OMIM 617577.

Allele frequency attached by ClinVar (database versions not stated): ExAC 0.00003; gnomAD 0.00003; gnomAD exomes 0.00003; TOPMed 0.00006; 1000 Genomes Project 0.00040; 1000 Genomes Project 30x 0.00047.
gnomAD v4.1: 25 of 1,613,590 alleles (0.0015%); highest among the groups gnomAD compares: Admixed American, 0.02%; no homozygotes.

Submissions (2):

Blueprint Genetics
Classification: Uncertain significance. Last evaluated: 2024-03-20. Review status: criteria provided, single submitter. Criteria: ACMG Guidelines, 2015. Collection method: clinical testing. Allele origin: germline.

Labcorp Genetics (formerly Invitae), Labcorp
Classification: Uncertain significance for Ciliary dyskinesia, primary, 37; Spermatogenic failure 18. Last evaluated: 2022-02-24. Review status: criteria provided, single submitter. Criteria: Invitae Variant Classification Sherloc (09022015). Collection method: clinical testing. Allele origin: germline.
Comment: This sequence change replaces arginine, which is basic and polar, with cysteine, which is neutral and slightly polar, at codon 374 of the DNAH1 protein (p.Arg374Cys). This variant is present in population databases (rs188467919, gnomAD 0.01%). This variant has not been reported in the literature in individuals affected with DNAH1-related conditions. Algorithms developed to predict the effect of missense changes on protein structure and function are either unavailable or do not agree on the potential impact of this missense change (SIFT: "Deleterious"; PolyPhen-2: "Probably Damaging"; Align-GVGD: "Class C0"). In summary, the available evidence is currently insufficient to determine the role of this variant in disease. Therefore, it has been classified as a Variant of Uncertain Significance.

NM_015512.5(DNAH1):c.1120C>T (p.Arg374Cys)

Gene: DNAH1 (dynein axonemal heavy chain 1; plus strand). Cytogenetic location: 3p21.1.
Variant type: single nucleotide variant.
Coding change: c.1120C>T on transcript NM_015512.5 (MANE Select); coding-DNA position 1120, C replaced by T.
Protein change: p.Arg374Cys; replaces arginine 374 with cysteine.
Molecular consequence: missense variant.
Genome position (GRCh38, 1-based): chr3:52,332,228, C>T. VCF-style: chr3-52332228-C-T. GRCh37 (hg19) VCF-style: chr3-52366244-C-T.
Other names: short protein forms R374C.
Identifiers: ClinVar variation 1512669 (VCV001512669.4), dbSNP rs188467919, ClinGen allele CA2432880.
Genomic context (GRCh38, chr3:52,332,228, plus strand): 5'-TACTGGGTGCCACGGATCCAGCTTCTCTTCTGCGCTGAGGACCCTTGCATGTTCGCACAA[C>T]GTGTGGTCCAGGCCAACGCCCTGCGCAAGAACACGGAAGCACTGCTGCTCTACAACTTGT-3'
Protein context (NP_056327.4, residues 364-384): CAEDPCMFAQ[Arg374Cys]VVQANALRKN